The following is an entry in ClinVar:

ClinVar aggregate classification (germline): Pathogenic (1 of 4 stars; one submission).

Conditions:
KIF1A-related disorder. Also called: KIF1A-related disorders; KIF1A-related condition.

Submission:

3billion
Classification: Pathogenic for KIF1A-related disorder. Last evaluated: 2024-11-23. Review status: criteria provided, single submitter. Criteria: ACMG Guidelines, 2015. Collection method: clinical testing. Allele origin: germline. Affected: yes.
Comment: The variant is not observed in the gnomAD v4.1.0 dataset. Predicted Consequence/Location: Stop-gained (nonsense): predicted to result in a loss or disruption of normal protein function through nonsense-mediated decay (NMD) or protein truncation. Multiple pathogenic variants are reported downstream of the variant. Therefore, this variant is classified as Pathogenic according to the recommendation of ACMG/AMP guideline.

NM_001244008.2(KIF1A):c.2737G>T (p.Glu913Ter)

Gene: KIF1A (kinesin family member 1A; minus strand). Cytogenetic location: 2q37.3.
Variant type: single nucleotide variant.
Coding change: c.2737G>T on transcript NM_001244008.2 (MANE Select); coding-DNA position 2737, G replaced by T.
Protein change: p.Glu913Ter; replaces glutamic acid 913 with a stop codon.
Molecular consequence: nonsense. On other transcripts: intron variant (18).
Genome position (GRCh38, 1-based): chr2:240,757,440, C>A on the plus strand (G>T on the coding strand, the complement: KIF1A is on the minus strand). VCF-style: chr2-240757440-C-A. GRCh37 (hg19) VCF-style: chr2-241696857-C-A.
Other names: c.2812G>T, p.Glu938Ter (NM_001379631.1); c.2686G>T, p.Glu896Ter (NM_001379632.1); c.2710G>T, p.Glu904Ter (NM_001379633.1, NM_001379642.1, NM_001379645.1); c.2555+920G>T (NM_001379653.1, NM_001379650.1, NM_001379640.1 and 6 more transcripts); c.2657+920G>T (NM_001379635.1, NM_001330290.2, NM_001379646.1 and 1 more transcripts); c.2630+920G>T (NM_001379637.1, NM_001379648.1); c.2582+920G>T (NM_001320705.2, NM_001379638.1, NM_001330289.2); short protein forms E896*, E904*, E913*, E938*.
Identifiers: ClinVar variation 4291989 (VCV004291989.1).
Genomic context (GRCh38, chr2:240,757,440, plus strand): 5'-CGTGCTCCGGAAAGACGTCGTCCTCCAGGTCCTCCTCCTCCTCATCCTCCTCCTCCTCCT[C>A]CTCCTCCTCCTCCTCCCCCACGCTCTGCTCCTCGGCAGGCTCGGTGGCGTCGGAGTCGGG-3'